The following is an entry in ClinVar:

NM_198578.4(LRRK2):c.5450A>G (p.Asn1817Ser)

Gene: LRRK2 (leucine rich repeat kinase 2; plus strand). Cytogenetic location: 12q12.
Variant type: single nucleotide variant.
Coding change: c.5450A>G on transcript NM_198578.4 (MANE Select); coding-DNA position 5450, A replaced by G.
Protein change: p.Asn1817Ser; replaces asparagine 1817 with serine.
Molecular consequence: missense variant.
Genome position (GRCh38, 1-based): chr12:40,322,451, A>G. VCF-style: chr12-40322451-A-G. GRCh37 (hg19) VCF-style: chr12-40716253-A-G.
Other names: short protein forms N1817S.
Identifiers: ClinVar variation 1747609 (VCV001747609.2), dbSNP rs2499885631, ClinGen allele CA384420790.

ClinVar aggregate classification (germline): Uncertain significance (1 of 4 stars; one submission).

Conditions:
Inborn genetic diseases. Identifiers: MedGen C0950123, MeSH D030342.

Submission:

Ambry Genetics
Classification: Uncertain significance for Inborn genetic diseases. Last evaluated: 2022-02-22. Review status: criteria provided, single submitter. Criteria: Ambry Variant Classification Scheme 2023. Collection method: clinical testing. Allele origin: germline.
Comment: The p.N1817S variant (also known as c.5450A>G), located in coding exon 37 of the LRRK2 gene, results from an A to G substitution at nucleotide position 5450. The asparagine at codon 1817 is replaced by serine, an amino acid with highly similar properties. This amino acid position is conserved. In addition, this alteration is predicted to be tolerated by in silico analysis. Since supporting evidence is limited at this time, the clinical significance of this alteration remains unclear.